The following is an entry in ClinVar:

ClinVar aggregate classification (germline): Conflicting classifications of pathogenicity. Review status: criteria provided, conflicting classifications (1 of 4 stars). 2 submissions from 2 submitters: Uncertain significance (1); Likely benign (1). Last evaluated 2026-09-01.

Conditions:
Inborn genetic diseases. Identifiers: MedGen C0950123, MeSH D030342.

Allele frequency attached by ClinVar (database versions not stated): gnomAD 0.00002; gnomAD exomes 0.00002.

Submissions (2):

CeGaT Center for Human Genetics Tuebingen
Classification: Likely benign. Last evaluated: 2026-09-01. Review status: criteria provided, single submitter. Criteria: CeGaT Center For Human Genetics Tuebingen Variant Classification Criteria Version 2. Collection method: clinical testing. Allele origin: germline. Affected: yes. Observed: 1 variant allele.
Comment: KDM6B: BP4

Ambry Genetics
Classification: Uncertain significance for Inborn genetic diseases. Last evaluated: 2022-02-11. Review status: criteria provided, single submitter. Criteria: Ambry Variant Classification Scheme 2023. Collection method: clinical testing. Allele origin: germline.

NM_001348716.2(KDM6B):c.2174T>C (p.Leu725Pro)

Gene: KDM6B (lysine demethylase 6B; plus strand). Cytogenetic location: 17p13.1.
Variant type: single nucleotide variant.
Coding change: c.2174T>C on transcript NM_001348716.2 (MANE Select); coding-DNA position 2174, T replaced by C.
Protein change: p.Leu725Pro; replaces leucine 725 with proline.
Molecular consequence: missense variant.
Genome position (GRCh38, 1-based): chr17:7,848,462, T>C. VCF-style: chr17-7848462-T-C. GRCh37 (hg19) VCF-style: chr17-7751780-T-C.
Other names: c.2174T>C, p.Leu725Pro (NM_001080424.2); short protein forms L725P.
Identifiers: ClinVar variation 2347112 (VCV002347112.3), dbSNP rs1289413502, ClinGen allele CA397919101.